The following is an entry in ClinVar:

NM_005199.5(CHRNG):c.117dup (p.Asn40fs)

Gene: CHRNG (cholinergic receptor nicotinic gamma subunit; plus strand). Cytogenetic location: 2q37.1.
Variant type: Duplication.
Coding change: c.117dup on transcript NM_005199.5 (MANE Select); coding-DNA position 117, one base duplicated (C; older notation c.117dupC).
Protein change: p.Asn40fs; shifts the reading frame from asparagine 40.
Molecular consequence: frameshift variant.
Genome position (GRCh38, 1-based): chr2:232,540,053, C duplicated; the last of 4 consecutive C bases (chr2:232,540,050-232,540,053); duplicating any one gives the same sequence. VCF-style (leftmost placement, unchanged base first): chr2-232540049-A-AC. GRCh37 (hg19) VCF-style: chr2-233404759-A-AC.
Other names: c.117dupC (NM_005199.5, NM_005199.4); short protein forms N40fs.
Identifiers: ClinVar variation 195239 (VCV000195239.21), dbSNP rs797044677, ClinGen allele CA201637.

ClinVar aggregate classification (germline): Pathogenic. Review status: criteria provided, multiple submitters, no conflicts (2 of 4 stars). 10 submissions from 10 submitters: Pathogenic (10). Last evaluated 2025-03-30.

Conditions:
CHRNG-related disorder. Also called: CHRNG-related condition; CHRNG-related disorders.
Autosomal recessive multiple pterygium syndrome. Also called: MULTIPLE PTERYGIUM SYNDROME, ESCOBAR VARIANT; PTERYGIUM COLLI SYNDROME; PTERYGIUM SYNDROME; PTERYGIUM UNIVERSALE. Identifiers: Orphanet 2990, MedGen C0265261, MONDO:0009926, OMIM 265000.
Lethal multiple pterygium syndrome (LMPS). Identifiers: Orphanet 33108, MedGen C1854678, MONDO:0009668, OMIM 253290.
Inborn genetic diseases. Identifiers: MedGen C0950123, MeSH D030342.

Submissions (10):

Dasa
Classification: Pathogenic. Last evaluated: 2025-03-30. Review status: criteria provided, single submitter. Criteria: DASA Assertion Criteria. Collection method: clinical testing. Allele origin: germline.
Comment: NM_005199.5(CHRNG):c.117dup (p.Asn40Glnfs*96) introduces a premature termination codon predicted to result in loss of normal protein function. Loss-of-function is an established mechanism of disease for this gene. Segregation evidence has been reported in affected families. This variant has been observed in affected individuals with related phenotype in a genotype context consistent with recessive disease (PMID: 24319099; PMID: 33820833). This variant has been recurrently observed in individuals with related phenotype (PMID: 24319099; PMID: 33820833). The variant is present at low frequency in population datasets. Based on the available data, this variant is classified as pathogenic.

Center of Human Genetics, Hôpital Erasme
Classification: Pathogenic for Autosomal recessive multiple pterygium syndrome. Last evaluated: 2025-01-01. Review status: criteria provided, single submitter. Criteria: ACMG Guidelines, 2015. Collection method: clinical testing. Allele origin: inherited. Affected: yes.

Blueprint Genetics
Classification: Pathogenic for CHRNG-related disorders. Last evaluated: 2024-11-08. Review status: criteria provided, single submitter. Criteria: ACMG Guidelines, 2015. Collection method: clinical testing. Allele origin: germline. Affected: yes. Observed: 1 variant allele.

Women's Health and Genetics/Laboratory Corporation of America, LabCorp
Classification: Pathogenic for Lethal multiple pterygium syndrome. Last evaluated: 2024-10-15. Review status: criteria provided, single submitter. Criteria: LabCorp Variant Classification Summary - May 2015. Collection method: clinical testing. Allele origin: germline.
Comment: Variant summary: CHRNG c.117dupC (p.Asn40GlnfsX96) results in a premature termination codon, predicted to cause a truncation of the encoded protein or absence of the protein due to nonsense mediated decay, which are commonly known mechanisms for disease. The variant allele was found at a frequency of 2.4e-05 in 251316 control chromosomes. c.117dupC has been reported in the literature in individuals affected with Lethal Multiple Pterygium Syndrome - CHRNG Related (Laquerriere_2014). These data indicate that the variant is likely to be associated with disease. To our knowledge, no experimental evidence demonstrating an impact on protein function has been reported. The following publication have been ascertained in the context of this evaluation (PMID: 33820833). ClinVar contains an entry for this variant (Variation ID: 195239). Based on the evidence outlined above, the variant was classified as pathogenic.

Fulgent Genetics
Classification: Pathogenic for Lethal multiple pterygium syndrome; Autosomal recessive multiple pterygium syndrome. Last evaluated: 2024-02-06. Review status: criteria provided, single submitter. Criteria: ACMG Guidelines, 2015. Collection method: clinical testing. Allele origin: germline.

Labcorp Genetics (formerly Invitae), Labcorp
Classification: Pathogenic. Last evaluated: 2024-01-28. Review status: criteria provided, single submitter. Criteria: Invitae Variant Classification Sherloc (09022015). Collection method: clinical testing. Allele origin: germline.
Comment: This sequence change creates a premature translational stop signal (p.Asn40Glnfs*96) in the CHRNG gene. It is expected to result in an absent or disrupted protein product. Loss-of-function variants in CHRNG are known to be pathogenic (PMID: 16826520). This variant is present in population databases (rs752475887, gnomAD 0.02%). This premature translational stop signal has been observed in individual(s) with clinical features of CHRNG-related conditions (PMID: 24319099). This variant is also known as c.117_118insC. ClinVar contains an entry for this variant (Variation ID: 195239). For these reasons, this variant has been classified as Pathogenic.

GeneDx
Classification: Pathogenic. Last evaluated: 2024-01-13. Review status: criteria provided, single submitter. Criteria: GeneDx Variant Classification Process June 2021. Collection method: clinical testing. Allele origin: germline. Affected: yes.
Comment: Frameshift variant predicted to result in protein truncation or nonsense mediated decay in a gene for which loss-of-function is a known mechanism of disease; This variant is associated with the following publications: (PMID: 31589614, 33820833, 24319099, 32587836)

Duke University Health System Sequencing Clinic, Duke University Health System
Classification: Pathogenic for Autosomal recessive multiple pterygium syndrome. Last evaluated: 2023-04-20. Review status: criteria provided, single submitter. Criteria: ACMG Guidelines, 2015. Collection method: research. Allele origin: unknown. Affected: yes.

Ambry Genetics
Classification: Pathogenic for Inborn genetic diseases. Last evaluated: 2017-09-18. Review status: criteria provided, single submitter. Criteria: Ambry exome assertion method (8-5-2015). Collection method: clinical testing. Allele origin: germline. Affected: yes. Observed: 1 variant allele.

Eurofins Ntd Llc (ga)
Classification: Pathogenic. Last evaluated: 2014-12-16. Review status: criteria provided, single submitter. Criteria: EGL Classification Definitions. Collection method: clinical testing. Allele origin: germline. Observed: 1 variant allele, 1 heterozygote.

Literature cited by the submitters: PubMed 24319099 (cited by Dasa and Labcorp Genetics (formerly Invitae), Labcorp); PubMed 33820833 (cited by Dasa and Women's Health and Genetics/Laboratory Corporation of America, LabCorp); PubMed 16826520 (cited by Labcorp Genetics (formerly Invitae), Labcorp).